The following is an entry in ClinVar:

NM_000152.5(GAA):c.1552-2A>C

Gene: GAA (alpha glucosidase; plus strand). Cytogenetic location: 17q25.3.
Variant type: single nucleotide variant.
Coding change: c.1552-2A>C on transcript NM_000152.5 (MANE Select); the canonical splice acceptor site of the intron before coding-DNA position 1552, A replaced by C.
Molecular consequence: splice acceptor variant.
Genome position (GRCh38, 1-based): chr17:80,110,939, A>C. VCF-style: chr17-80110939-A-C. GRCh37 (hg19) VCF-style: chr17-78084738-A-C.
Other names: c.1552-2A>C (NM_001406741.1, NM_001406742.1, NM_001079803.3 and 1 more transcripts).
Identifiers: ClinVar variation 2440386 (VCV002440386.4), dbSNP rs1555600846, ClinGen allele CA401367172.

ClinVar aggregate classification (germline): Pathogenic. Review status: reviewed by expert panel (3 of 4 stars). 3 submissions from 3 submitters: Pathogenic (1). 2 of the submissions do not count toward it. Last evaluated 2026-03-03.

Conditions:
Glycogen storage disease, type II (IOPD). Also called: Glucosidase acid-1,4-alpha deficiency; CARDIOMEGALIA GLYCOGENICA DIFFUSA; GLYCOGENOSIS, GENERALIZED, CARDIAC FORM; GSD II; Glycogen storage disease type 2; Acid maltase deficiency disease. Identifiers: Orphanet 365, MedGen C0017921, MONDO:0009290, OMIM 232300.

Submissions (3):

ClinGen Lysosomal Storage Disorder Variant Curation Expert Panel
Classification: Pathogenic for Glycogen storage disease, type II. Last evaluated: 2026-03-03. Review status: reviewed by expert panel. Criteria: clingen_lsd_acmg_specifications_v2-1. Collection method: curation. Allele origin: germline. Inheritance: Autosomal recessive inheritance.
Comment: The NM_000152.5:c.1522-2A>C variant in GAA occurs within the canonical splice donor site of intron 10. It is predicted to cause skipping of biologically-relevant-exon 10 out of a total of 20 exons, resulting in a frameshift leading to nonsense mediated decay in a gene in which loss-of-function is an established disease mechanism (PVS1). At least one patient with this variant has been reported with infantile onset Pompe disease whose GAA activity is 13% and has a unique combination of symptoms (PMID: 33301762) (PP4). This individual is homozygous for the c.1522-2A>C variant (PM3_Supporting). This variant is absent in gnomAD v4.1.0 (PM2_Supporting). There is a ClinVar entry for this variant (Variation ID: 2440386). In summary, this variant meets the criteria to be classified as Pathogenic for Pompe disease. GAA-specific ACMG/AMP criteria met, as specified by the ClinGen Lysosomal Diseases Variant Curation Expert Panel (Specifications Version 2.0.0): PVS1, PP4, PM3_Supporting, PM2_Supporting. (Classification approved by the ClinGen Lysosomal Diseases Variant Curation Expert Panel on March 3, 2026)

Labcorp Genetics (formerly Invitae), Labcorp
Classification: Pathogenic for Glycogen storage disease, type II. Last evaluated: 2025-06-22. Review status: criteria provided, single submitter. Criteria: Invitae Variant Classification Sherloc (09022015). Collection method: clinical testing. Allele origin: germline. Not counted in ClinVar's aggregate classification.
Comment: This sequence change affects an acceptor splice site in intron 10 of the GAA gene. It is expected to disrupt RNA splicing. Variants that disrupt the donor or acceptor splice site typically lead to a loss of protein function (PMID: 16199547), and loss-of-function variants in GAA are known to be pathogenic (PMID: 18425781, 22252923). This variant is not present in population databases (gnomAD no frequency). Disruption of this splice site has been observed in individual(s) with Pompe disease (PMID: 33301762). ClinVar contains an entry for this variant (Variation ID: 2440386). Algorithms developed to predict the effect of sequence changes on RNA splicing suggest that this variant may disrupt the consensus splice site. For these reasons, this variant has been classified as Pathogenic.

Revvity Omics, Revvity
Classification: Pathogenic. Last evaluated: 2025-01-29. Review status: criteria provided, single submitter. Criteria: ACMG Guidelines, 2015. Collection method: clinical testing. Allele origin: germline. Not counted in ClinVar's aggregate classification.

Literature cited by the submitters: PubMed 16199547 (cited by Labcorp Genetics (formerly Invitae), Labcorp); PubMed 18425781 (cited by Labcorp Genetics (formerly Invitae), Labcorp); PubMed 22252923 (cited by Labcorp Genetics (formerly Invitae), Labcorp); PubMed 33301762 (cited by Labcorp Genetics (formerly Invitae), Labcorp).